The following is an entry in ClinVar:

NM_001164508.2(NEB):c.16725G>T (p.Leu5575Phe)

Gene: NEB (nebulin; minus strand). Cytogenetic location: 2q23.3.
Variant type: single nucleotide variant.
Coding change: c.16725G>T on transcript NM_001164508.2 (MANE Select); coding-DNA position 16725, G replaced by T.
Protein change: p.Leu5575Phe; replaces leucine 5575 with phenylalanine.
Molecular consequence: missense variant.
Genome position (GRCh38, 1-based): chr2:151,576,334, C>A on the plus strand (G>T on the coding strand, the complement: NEB is on the minus strand). VCF-style: chr2-151576334-C-A. GRCh37 (hg19) VCF-style: chr2-152432848-C-A.
Other names: c.16725G>T, p.Leu5575Phe (NM_001164507.2, NM_001271208.2); c.11622G>T, p.Leu3874Phe (NM_004543.5); short protein forms L3874F, L5575F.
Identifiers: ClinVar variation 1362264 (VCV001362264.10), dbSNP rs2153808846, ClinGen allele CA348811098.

ClinVar aggregate classification (germline): Uncertain significance. Review status: criteria provided, multiple submitters, no conflicts (2 of 4 stars). 2 submissions from 2 submitters: Uncertain significance (2). Last evaluated 2021-04-23.

Conditions:
Nemaline myopathy 2 (NEM2). Also called: Nemaline myopathy 2, autosomal recessive. Identifiers: MedGen C1850569, MONDO:0009725, OMIM 256030.

gnomAD v4.1: 1 of 1,605,278 alleles (0.000062%); highest among the groups gnomAD compares: Non-Finnish European, 0.000085%; no homozygotes.

Submissions (2):

Labcorp Genetics (formerly Invitae), Labcorp
Classification: Uncertain significance for Nemaline myopathy 2. Last evaluated: 2021-04-23. Review status: criteria provided, single submitter. Criteria: Invitae Variant Classification Sherloc (09022015). Collection method: clinical testing. Allele origin: germline.
Comment: In summary, the available evidence is currently insufficient to determine the role of this variant in disease. Therefore, it has been classified as a Variant of Uncertain Significance. Algorithms developed to predict the effect of missense changes on protein structure and function are either unavailable or do not agree on the potential impact of this missense change (SIFT: "Deleterious"; PolyPhen-2: "Not Available"; Align-GVGD: "Class C0"). This variant has not been reported in the literature in individuals with NEB-related conditions. This variant is not present in population databases (ExAC no frequency). This sequence change replaces leucine with phenylalanine at codon 5575 of the NEB protein (p.Leu5575Phe). The leucine residue is moderately conserved and there is a small physicochemical difference between leucine and phenylalanine.

Revvity Omics, Revvity
Classification: Uncertain significance. Last evaluated: 2020-10-06. Review status: criteria provided, single submitter. Criteria: ACMG Guidelines, 2015. Collection method: clinical testing. Allele origin: germline.